The following is an entry in ClinVar:

ClinVar aggregate classification (germline): Benign/Likely benign. Review status: criteria provided, multiple submitters, no conflicts (2 of 4 stars). 6 submissions from 3 submitters: Benign (5); Likely benign (1). Last evaluated 2024-10-22.

Conditions:
Fetal akinesia, respiratory insufficiency, microcephaly, polymicrogyria, and dysmorphic facies. Identifiers: MedGen C5562015, MONDO:0859204, OMIM 619602.
Developmental and epileptic encephalopathy 98. Identifiers: MedGen C5562017, MONDO:0030472, OMIM 619605.
Familial hemiplegic migraine. Identifiers: MedGen C0338484, MONDO:0000700.
Migraine, familial hemiplegic, 2. Identifiers: Orphanet 569, MedGen C1865322, MONDO:0011232, OMIM 602481.
Alternating hemiplegia of childhood 1 (AHC1). Identifiers: Orphanet 2131, MedGen C3549447, MONDO:0007087, OMIM 104290.

Allele frequency attached by ClinVar (database versions not stated): gnomAD below 0.00001 and 0.00004; gnomAD exomes 0.00004 and 0.00012; 1000 Genomes Project 30x 0.00016; ExAC 0.00018; 1000 Genomes Project 0.00020.
gnomAD v4.1: 64 of 1,610,344 alleles (0.004%); highest among the groups gnomAD compares: South Asian, 0.069%; 1 homozygote.

Submissions (6):

Labcorp Genetics (formerly Invitae), Labcorp
Classification: Benign for Familial hemiplegic migraine. Last evaluated: 2024-10-22. Review status: criteria provided, single submitter. Criteria: Invitae Variant Classification Sherloc (09022015). Collection method: clinical testing. Allele origin: germline.

Genome-Nilou Lab
Classification: Benign for Alternating hemiplegia of childhood 1. Last evaluated: 2021-12-05. Review status: criteria provided, single submitter. Criteria: ACMG Guidelines, 2015. Collection method: clinical testing. Allele origin: germline. Affected: no.

Genome-Nilou Lab
Classification: Benign for Developmental and epileptic encephalopathy 98. Last evaluated: 2021-12-05. Review status: criteria provided, single submitter. Criteria: ACMG Guidelines, 2015. Collection method: clinical testing. Allele origin: germline. Affected: no.

Genome-Nilou Lab
Classification: Benign for Fetal akinesia, respiratory insufficiency, microcephaly, polymicrogyria, and dysmorphic facies. Last evaluated: 2021-12-05. Review status: criteria provided, single submitter. Criteria: ACMG Guidelines, 2015. Collection method: clinical testing. Allele origin: germline. Affected: no.

Genome-Nilou Lab
Classification: Benign for Migraine, familial hemiplegic, 2. Last evaluated: 2021-12-05. Review status: criteria provided, single submitter. Criteria: ACMG Guidelines, 2015. Collection method: clinical testing. Allele origin: germline. Affected: no.

GeneDx
Classification: Likely benign. Last evaluated: 2017-04-26. Review status: criteria provided, single submitter. Criteria: GeneDx Variant Classification (06012015). Collection method: clinical testing. Allele origin: germline. Affected: yes.
Comment: This variant is considered likely benign or benign based on one or more of the following criteria: it is a conservative change, it occurs at a poorly conserved position in the protein, it is predicted to be benign by multiple in silico algorithms, and/or has population frequency not consistent with disease.

NM_000702.4(ATP1A2):c.631-16A>G

Genes: ATP1A2 (ATPase Na+/K+ transporting subunit alpha 2; plus strand), LOC126805890 (CDK7 strongly-dependent group 2 enhancer GRCh37_chr1:160093987-160095186; plus strand). Cytogenetic location: 1q23.2.
Variant type: single nucleotide variant.
Coding change: c.631-16A>G on transcript NM_000702.4 (MANE Select); 16 bases into the intron before coding-DNA position 631, A replaced by G.
Molecular consequence: intron variant.
Genome position (GRCh38, 1-based): chr1:160,125,120, A>G. VCF-style: chr1-160125120-A-G. GRCh37 (hg19) VCF-style: chr1-160094910-A-G.
Identifiers: ClinVar variation 509169 (VCV000509169.10), dbSNP rs571618030, ClinGen allele CA1194238.